The following is an entry in ClinVar:

ClinVar aggregate classification (germline): Uncertain significance (1 of 4 stars; one submission).

Conditions:
Charcot-Marie-Tooth disease axonal type 2F (CMT2F). Also called: CHARCOT-MARIE-TOOTH DISEASE, NEURONAL, TYPE 2F; Charcot-Marie-Tooth Neuropathy Type 2F. Identifiers: Orphanet 99940, MedGen C1847823, MONDO:0011687, OMIM 606595.

Allele frequency attached by ClinVar (database versions not stated): gnomAD exomes below 0.00001 and 0.00001; TOPMed below 0.00001; ExAC 0.00001.

Submission:

Labcorp Genetics (formerly Invitae), Labcorp
Classification: Uncertain significance for Charcot-Marie-Tooth disease axonal type 2F. Last evaluated: 2024-05-15. Review status: criteria provided, single submitter. Criteria: Invitae Variant Classification Sherloc (09022015). Collection method: clinical testing. Allele origin: germline.
Comment: This sequence change replaces threonine, which is neutral and polar, with lysine, which is basic and polar, at codon 143 of the HSPB1 protein (p.Thr143Lys). This variant is present in population databases (rs748414486, gnomAD 0.0009%). This variant has not been reported in the literature in individuals affected with HSPB1-related conditions. ClinVar contains an entry for this variant (Variation ID: 642232). An algorithm developed to predict the effect of missense changes on protein structure and function (PolyPhen-2) suggests that this variant is likely to be disruptive. In summary, the available evidence is currently insufficient to determine the role of this variant in disease. Therefore, it has been classified as a Variant of Uncertain Significance.

NM_001540.5(HSPB1):c.428C>A (p.Thr143Lys)

Gene: HSPB1 (heat shock protein family B (small) member 1; plus strand). Cytogenetic location: 7q11.23.
Variant type: single nucleotide variant.
Coding change: c.428C>A on transcript NM_001540.5 (MANE Select); coding-DNA position 428, C replaced by A.
Protein change: p.Thr143Lys; replaces threonine 143 with lysine.
Molecular consequence: missense variant.
Genome position (GRCh38, 1-based): chr7:76,303,865, C>A. VCF-style: chr7-76303865-C-A. GRCh37 (hg19) VCF-style: chr7-75933182-C-A.
Other names: c.428C>A (LRG_248t1); short protein forms T143K.
Identifiers: ClinVar variation 642232 (VCV000642232.8), dbSNP rs748414486, ClinGen allele CA4306385.
Genomic context (GRCh38, chr7:76,303,865, plus strand): 5'-AGCACGAGGAGCGGCAGGACGAGCATGGCTACATCTCCCGGTGCTTCACGCGGAAATACA[C>A]GTGAGTCCTGGCGCCAGGTCGGGGTGGGTGGGTGGCGTGGGGGTGGGGTCAGGGAAGAGG-3'
Protein context (NP_001531.1, residues 133-153): YISRCFTRKY[Thr143Lys]LPPGVDPTQV